The following is an entry in ClinVar:

NM_000214.3(JAG1):c.1804C>A (p.His602Asn)

Gene: JAG1 (jagged canonical Notch ligand 1; minus strand). Cytogenetic location: 20p12.2.
Variant type: single nucleotide variant.
Coding change: c.1804C>A on transcript NM_000214.3 (MANE Select); coding-DNA position 1804, C replaced by A.
Protein change: p.His602Asn; replaces histidine 602 with asparagine.
Molecular consequence: missense variant.
Genome position (GRCh38, 1-based): chr20:10,647,020, G>T on the plus strand (C>A on the coding strand, the complement: JAG1 is on the minus strand). VCF-style: chr20-10647020-G-T. GRCh37 (hg19) VCF-style: chr20-10627668-G-T.
Other names: short protein forms H602N.
Identifiers: ClinVar variation 3531161 (VCV003531161.4).

ClinVar aggregate classification (germline): Uncertain significance. Review status: criteria provided, multiple submitters, no conflicts (2 of 4 stars). 3 submissions from 3 submitters: Uncertain significance (3). Last evaluated 2026-06-23.

Conditions:
Alagille syndrome due to a JAG1 point mutation. Also called: JAG1-Related Alagille Syndrome; Alagille Syndrome 1; HEPATIC DUCTULAR HYPOPLASIA, SYNDROMATIC. Identifiers: Orphanet 261619, Orphanet 52, MedGen C1956125, MONDO:0016862, OMIM 118450.
Cardiovascular phenotype. Identifiers: MedGen CN230736.

gnomAD v4.1: 2 of 1,614,194 alleles (0.00012%); highest among the groups gnomAD compares: Non-Finnish European, 0.000085%; no homozygotes.

Submissions (3):

GeneDx
Classification: Uncertain significance. Last evaluated: 2026-06-23. Review status: criteria provided, single submitter. Criteria: GeneDx Variant Classification Process June 2021. Collection method: clinical testing. Allele origin: germline.
Comment: Not observed at significant frequency in large population cohorts (gnomAD); In silico analysis supports that this missense variant has a deleterious effect on protein structure/function; Has not been previously published as pathogenic or benign to our knowledge

Labcorp Genetics (formerly Invitae), Labcorp
Classification: Uncertain significance for Alagille syndrome due to a JAG1 point mutation. Last evaluated: 2026-01-12. Review status: criteria provided, single submitter. Criteria: Invitae Variant Classification Sherloc (09022015). Collection method: clinical testing. Allele origin: germline.
Comment: This sequence change replaces histidine, which is basic and polar, with asparagine, which is neutral and polar, at codon 602 of the JAG1 protein (p.His602Asn). This variant is present in population databases (rs373466102, gnomAD 0.0009%). This variant has not been reported in the literature in individuals affected with JAG1-related conditions. ClinVar contains an entry for this variant (Variation ID: 3531161). Invitae Evidence Modeling of protein sequence and biophysical properties (such as structural, functional, and spatial information, amino acid conservation, physicochemical variation, residue mobility, and thermodynamic stability) indicates that this missense variant is not expected to disrupt JAG1 protein function with a negative predictive value of 80%. In summary, the available evidence is currently insufficient to determine the role of this variant in disease. Therefore, it has been classified as a Variant of Uncertain Significance.

Ambry Genetics
Classification: Uncertain significance for Cardiovascular phenotype. Last evaluated: 2024-08-28. Review status: criteria provided, single submitter. Criteria: Ambry Variant Classification Scheme 2023. Collection method: clinical testing. Allele origin: germline.
Comment: The p.H602N variant (also known as c.1804C>A), located in coding exon 14 of the JAG1 gene, results from a C to A substitution at nucleotide position 1804. The histidine at codon 602 is replaced by asparagine, an amino acid with similar properties. This amino acid position is conserved. In addition, the in silico prediction for this alteration is inconclusive. Based on the available evidence, the clinical significance of this variant remains unclear.